The following is an entry in ClinVar:

ClinVar aggregate classification (germline): Uncertain significance (1 of 4 stars; one submission).

Conditions:
Asphyxiating thoracic dystrophy 5 (SRTD5). Also called: SHORT-RIB THORACIC DYSPLASIA 5 WITH OR WITHOUT POLYDACTYLY; SHORT-RIB THORACIC DYSPLASIA 5 WITHOUT POLYDACTYLY. Identifiers: Orphanet 474, MedGen C3280598, MONDO:0013717, OMIM 614376.
Senior-Loken syndrome 8 (SLSN8). Identifiers: Orphanet 3156, MedGen C4225376, MONDO:0014579, OMIM 616307.

Allele frequency attached by ClinVar (database versions not stated): gnomAD exomes below 0.00001 and 0.00001; ExAC 0.00002; TOPMed 0.00002; gnomAD 0.00003.
gnomAD v4.1: 8 of 1,594,860 alleles (0.0005%); highest among the groups gnomAD compares: Non-Finnish European, 0.00068%; no homozygotes.

Submission:

Labcorp Genetics (formerly Invitae), Labcorp
Classification: Uncertain significance for Senior-Loken syndrome 8; Asphyxiating thoracic dystrophy 5. Last evaluated: 2023-11-27. Review status: criteria provided, single submitter. Criteria: Invitae Variant Classification Sherloc (09022015). Collection method: clinical testing. Allele origin: germline.
Comment: This sequence change affects codon 394 of the WDR19 mRNA. It is a 'silent' change, meaning that it does not change the encoded amino acid sequence of the WDR19 protein. The frequency data for this variant in the population databases is considered unreliable, as metrics indicate poor data quality at this position in the gnomAD database. This variant has not been reported in the literature in individuals affected with WDR19-related conditions. ClinVar contains an entry for this variant (Variation ID: 1350011). Algorithms developed to predict the effect of sequence changes on RNA splicing suggest that this variant may disrupt the consensus splice site. In summary, the available evidence is currently insufficient to determine the role of this variant in disease. Therefore, it has been classified as a Variant of Uncertain Significance.

NM_025132.4(WDR19):c.1182A>G (p.Ala394=)

Gene: WDR19 (WD repeat domain 19; plus strand). Cytogenetic location: 4p14.
Variant type: single nucleotide variant.
Coding change: c.1182A>G on transcript NM_025132.4 (MANE Select); coding-DNA position 1182, A replaced by G.
Protein change: p.Ala394=; no amino-acid change (alanine 394 retained).
Molecular consequence: synonymous variant.
Genome position (GRCh38, 1-based): chr4:39,216,143, A>G. VCF-style: chr4-39216143-A-G. GRCh37 (hg19) VCF-style: chr4-39217763-A-G.
Other names: c.702A>G, p.Ala234= (NM_001317924.2).
Identifiers: ClinVar variation 1350011 (VCV001350011.6), dbSNP rs769687203, ClinGen allele CA2891793.
Genomic context (GRCh38, chr4:39,216,143, plus strand): 5'-TTCTTTATTATAGGAGCTACCAATCACAGTTTCTGTTGATGTGGAACCCAACTTTGTGGC[A>G]GTAGGTCTTTATCATCTGGCTGTAGGAATGAATAATCGAGCTTGGTTTTATGTCCTTGGA-3'
Protein context (NP_079408.3, residues 384-404): VSVDVEPNFV[Ala394=]VGLYHLAVGM